The following is an entry in ClinVar:

ClinVar aggregate classification (germline): Uncertain significance. Review status: no assertion criteria provided (0 of 4 stars). 2 submissions from 2 submitters: Uncertain significance (1). 1 of the submissions does not count toward it. Last evaluated 2023-06-21.

Conditions:
SARS1-related disorder. Also called: SARS1-related condition; SARS1-related disorders.

Submissions (2):

OMIM
Classification: Uncertain significance for VARIANT OF UNKNOWN SIGNIFICANCE. Last evaluated: 2023-06-21. Review status: no assertion criteria provided. Collection method: literature only. Allele origin: germline.

Neurometabolic Diseases Laboratory, Bellvitge Biomedical Research Institute (IDIBELL)
Classification: Pathogenic for SARS1-related disorders. Last evaluated: 2023-04-27. Review status: flagged submission. Criteria: ACMG Guidelines, 2015. Collection method: research. Allele origin: germline. Affected: yes. Not counted in ClinVar's aggregate classification.
ClinVar note: Notes: Flagging candidate with reason of insufficient supporting evidence. This gene has been classified as having a limited gene-disease relationship by a ClinGen Expert Panel.
ClinVar note: Reason: Other

Literature cited by the submitters: PubMed 36041817 (cited by OMIM and Neurometabolic Diseases Laboratory, Bellvitge Biomedical Research Institute (IDIBELL)).

NM_006513.4(SARS1):c.969+1_969+3del

Gene: SARS1 (seryl-tRNA synthetase 1; plus strand). Cytogenetic location: 1p13.3.
Variant type: Deletion.
Coding change: c.969+1_969+3del on transcript NM_006513.4 (MANE Select); the canonical splice donor site of the intron after coding-DNA position 969 through 3 bases into the intron after coding-DNA position 969, 3 bases deleted (GTG; older notation c.969+1_969+3delGTG).
Molecular consequence: splice donor variant.
Genome position (GRCh38, 1-based): chr1:109,235,432-109,235,434, GTG deleted; deleting any 3 consecutive bases within chr1:109,235,431-109,235,434 gives the same sequence; the c. name uses the placement nearest the transcript's 3' end. VCF-style (leftmost placement, unchanged base first): chr1-109235430-AGGT-A. GRCh37 (hg19) VCF-style: chr1-109778052-AGGT-A.
Other names: c.969+1_969+3del (NM_001330669.1); c.969_969+2del (NM_006513.4).
Identifiers: ClinVar variation 2443972 (VCV002443972.28), dbSNP rs2526365201, ClinGen allele CA2580060841.